The following is an entry in ClinVar:

ClinVar aggregate classification (germline): Pathogenic/Likely pathogenic. Review status: criteria provided, multiple submitters, no conflicts (2 of 4 stars). 5 submissions from 5 submitters: Pathogenic (4); Likely pathogenic (1). Last evaluated 2026-02-09.

Conditions:
Long QT syndrome 2 (LQT2). Identifiers: Orphanet 101016, Orphanet 768, MedGen C3150943, MONDO:0013367, OMIM 613688.
Cardiac arrhythmia. Also called: Cardiac rhythm disease; Arrhythmia. Identifiers: MedGen C0003811, MONDO:0007263, HP:0011675.
Long QT syndrome (LQTS). Identifiers: MedGen C0023976, MeSH D008133, MONDO:0002442. Disease mechanism: loss of function. Inheritance: Various modes of inheritance.

gnomAD v4.1: 1 of 1,334,908 alleles (0.000075%); highest among the groups gnomAD compares: South Asian, 0.002%; no homozygotes.

Submissions (5):

Institute of Human Genetics, University of Leipzig Medical Center
Classification: Pathogenic for Long QT syndrome 2. Last evaluated: 2026-02-09. Review status: criteria provided, single submitter. Criteria: ACMG Guidelines, 2015. Collection method: clinical testing. Allele origin: unknown. Inheritance: Autosomal dominant inheritance. Affected: yes.
Comment: Criteria applied: PVS1,PS4_MOD,PM2_SUP

Women's Health and Genetics/Laboratory Corporation of America, LabCorp
Classification: Pathogenic for Cardiac arrhythmia. Last evaluated: 2024-08-20. Review status: criteria provided, single submitter. Criteria: LabCorp Variant Classification Summary - May 2015. Collection method: clinical testing. Allele origin: germline.
Comment: Variant summary: KCNH2 c.817C>T (p.Arg273X) results in a premature termination codon, predicted to cause a truncation of the encoded protein or absence of the protein due to nonsense mediated decay, which are commonly known mechanisms for disease. The variant was absent in 30980 control chromosomes. c.817C>T has been reported in the literature in at least one individual affected with clinical features of KCNH2-related conditions (e.g., Fodstad_2004). To our knowledge, no experimental evidence demonstrating an impact on protein function has been reported. The following publication has been ascertained in the context of this evaluation (PMID: 15176425). ClinVar contains an entry for this variant (Variation ID: 1076382). Based on the evidence outlined above, the variant was classified as pathogenic.

Labcorp Genetics (formerly Invitae), Labcorp
Classification: Pathogenic for Long QT syndrome. Last evaluated: 2024-07-16. Review status: criteria provided, single submitter. Criteria: Invitae Variant Classification Sherloc (09022015). Collection method: clinical testing. Allele origin: germline.
Comment: This sequence change creates a premature translational stop signal (p.Arg273*) in the KCNH2 gene. It is expected to result in an absent or disrupted protein product. Loss-of-function variants in KCNH2 are known to be pathogenic (PMID: 10973849, 19862833). This variant is not present in population databases (gnomAD no frequency). This premature translational stop signal has been observed in individual(s) with clinical features of KCNH2-related conditions (PMID: 15176425). ClinVar contains an entry for this variant (Variation ID: 1076382). For these reasons, this variant has been classified as Pathogenic.

GeneDx
Classification: Likely pathogenic. Last evaluated: 2023-06-21. Review status: criteria provided, single submitter. Criteria: GeneDx Variant Classification Process June 2021. Collection method: clinical testing. Allele origin: germline. Affected: yes.
Comment: Identified in a patient with LQTS in published literature (Fodstad et al., 2004); Not observed at significant frequency in large population cohorts (gnomAD); Nonsense variant predicted to result in protein truncation or nonsense mediated decay in a gene for which loss of function is a known mechanism of disease; This variant is associated with the following publications: (PMID: 25525159, 15176425)

Victorian Clinical Genetics Services, Murdoch Childrens Research Institute
Classification: Pathogenic for Long QT syndrome 2. Last evaluated: 2020-05-26. Review status: criteria provided, single submitter. Criteria: ACMG Guidelines, 2015. Collection method: clinical testing. Allele origin: germline. Inheritance: Autosomal dominant inheritance. Affected: yes.
Comment: Based on the classification scheme VCGS_Germline_v1.1.1, this variant is classified as Pathogenic. Following criteria are met: 0102 - Loss-of-function is a known mechanism of disease for this gene. (N) 0107 - This gene is known to be associated with autosomal dominant disease. (N) 0201 - Variant is located in exon 4 of 15 and is predicted to cause nonsense-mediated decay (NMD) and loss of protein. (P) 0251 - Variant is heterozygous. (N) 0301 - Variant is absent from gnomAD. (P) 0701 - Comparable variants have very strong previous evidence for pathogenicity. Other variants predicted to cause NMD have been reported as pathogenic in this gene (ClinVar). (P) 0803 - Low previous evidence of pathogenicity in unrelated individuals. The variant has been previously reported in one patient with LQT syndrome (PMID: 15176425). (P) 0905 - No segregation evidence has been identified for this variant. (N) 1007 - No published functional evidence has been identified for this variant. (N) 1208 - Inheritance information for this variant is not currently available. (N) Legend: (P) - Pathogenic, (N) - Neutral, (B) - Benign

Literature cited by the submitters: PubMed 15176425 (cited by 3 submitters); PubMed 10973849 (cited by Labcorp Genetics (formerly Invitae), Labcorp); PubMed 19862833 (cited by Labcorp Genetics (formerly Invitae), Labcorp).

NM_000238.4(KCNH2):c.817C>T (p.Arg273Ter)

Gene: KCNH2 (potassium voltage-gated channel subfamily H member 2; minus strand). Cytogenetic location: 7q36.1.
Variant type: single nucleotide variant.
Coding change: c.817C>T on transcript NM_000238.4 (MANE Select); coding-DNA position 817, C replaced by T.
Protein change: p.Arg273Ter; replaces arginine 273 with a stop codon.
Molecular consequence: nonsense.
Genome position (GRCh38, 1-based): chr7:150,958,158, G>A on the plus strand (C>T on the coding strand, the complement: KCNH2 is on the minus strand). VCF-style: chr7-150958158-G-A. GRCh37 (hg19) VCF-style: chr7-150655246-G-A.
Other names: c.817C>T (NM_000238.2); c.529C>T, p.Arg177Ter (NM_001406753.1, NM_001406756.1); c.640C>T, p.Arg214Ter (NM_001406755.1); c.517C>T, p.Arg173Ter (NM_001406757.1); c.817C>T, p.Arg273Ter (NM_172056.3); short protein forms R273*, R173*, R177*, R214*.
Identifiers: ClinVar variation 1076382 (VCV001076382.13), dbSNP rs552583527, ClinGen allele CA369862380.